The following is an entry in ClinVar:

NM_000057.4(BLM):c.847A>G (p.Thr283Ala)

Gene: BLM (BLM RecQ like helicase; plus strand). Cytogenetic location: 15q26.1.
Variant type: single nucleotide variant.
Coding change: c.847A>G on transcript NM_000057.4 (MANE Select); coding-DNA position 847, A replaced by G.
Protein change: p.Thr283Ala; replaces threonine 283 with alanine.
Molecular consequence: missense variant. On other transcripts: 5 prime UTR variant (1).
Genome position (GRCh38, 1-based): chr15:90,751,834, A>G. VCF-style: chr15-90751834-A-G. GRCh37 (hg19) VCF-style: chr15-91295064-A-G.
Other names: c.847A>G (LRG_20t1); c.847A>G, p.Thr283Ala (NM_001287246.2, NM_001287247.2); c.-445A>G (NM_001287248.2); short protein forms T283A.
Identifiers: ClinVar variation 133711 (VCV000133711.28), dbSNP rs149598003, ClinGen allele CA157433.

ClinVar aggregate classification (germline): Uncertain significance. Review status: criteria provided, multiple submitters, no conflicts (2 of 4 stars). 7 submissions from 7 submitters: Uncertain significance (5). 2 of the submissions do not count toward it. Last evaluated 2026-02-03.

Conditions:
Hereditary cancer-predisposing syndrome. Also called: Tumor predisposition; Hereditary neoplastic syndrome; Neoplastic Syndromes, Hereditary; Hereditary Cancer Syndrome. Identifiers: Orphanet 140162, MedGen C0027672, MeSH D009386, MONDO:0015356.
Bloom syndrome (BLM). Also called: Bloom-Torre-Machacek syndrome. Identifiers: Orphanet 125, MedGen C0005859, MONDO:0008876, OMIM 210900.

Allele frequency attached by ClinVar (database versions not stated): gnomAD exomes 0.00003 and 0.00010; gnomAD 0.00004 and 0.00005; ExAC 0.00005; TOPMed 0.00006; ESP Exome Variant Server 0.00008.
gnomAD v4.1: 159 of 1,612,738 alleles (0.0099%); highest among the groups gnomAD compares: Non-Finnish European, 0.012%; no homozygotes.

Submissions (7):

Labcorp Genetics (formerly Invitae), Labcorp
Classification: Uncertain significance for Bloom syndrome. Last evaluated: 2026-02-03. Review status: criteria provided, single submitter. Criteria: Invitae Variant Classification Sherloc (09022015). Collection method: clinical testing. Allele origin: germline.
Comment: This sequence change replaces threonine, which is neutral and polar, with alanine, which is neutral and non-polar, at codon 283 of the BLM protein (p.Thr283Ala). This variant is present in population databases (rs149598003, gnomAD 0.006%). This variant has not been reported in the literature in individuals affected with BLM-related conditions. ClinVar contains an entry for this variant (Variation ID: 133711). Invitae Evidence Modeling of protein sequence and biophysical properties (such as structural, functional, and spatial information, amino acid conservation, physicochemical variation, residue mobility, and thermodynamic stability) indicates that this missense variant is not expected to disrupt BLM protein function with a negative predictive value of 80%. RNA analysis performed to evaluate the impact of this missense change on mRNA splicing indicates it does not significantly alter splicing (internal data). In summary, the available evidence is currently insufficient to determine the role of this variant in disease. Therefore, it has been classified as a Variant of Uncertain Significance.

GeneDx
Classification: Uncertain significance. Last evaluated: 2025-03-19. Review status: criteria provided, single submitter. Criteria: GeneDx Variant Classification Process June 2021. Collection method: clinical testing. Allele origin: germline. Affected: yes.
Comment: Not observed at significant frequency in large population cohorts (gnomAD); In silico analysis indicates that this missense variant does not alter protein structure/function; Observed in a cohort of healthy individuals undergoing whole genome sequencing (PMID: 24728327); This variant is associated with the following publications: (PMID: 24728327)

Ambry Genetics
Classification: Uncertain significance for Hereditary cancer-predisposing syndrome. Last evaluated: 2025-02-28. Review status: criteria provided, single submitter. Criteria: Ambry Variant Classification Scheme 2023. Collection method: clinical testing. Allele origin: germline.

Quest Diagnostics Nichols Institute San Juan Capistrano
Classification: Uncertain significance. Last evaluated: 2024-02-13. Review status: criteria provided, single submitter. Criteria: Quest Diagnostics criteria. Collection method: clinical testing. Allele origin: unknown.
Comment: The BLM c.847A>G (p.Thr283Ala) variant has been reported in the published literature in reportedly healthy individuals (PMID: 24728327 (2014)). The frequency of this variant in the general population, 0.000054 (7/129028 chromosomes (Genome Aggregation Database)), is uninformative in the assessment of its pathogenicity. Analysis of this variant using bioinformatics tools for the prediction of the effect of amino acid changes on protein structure and function yielded predictions that this variant is benign. Based on the available information, we are unable to determine the clinical significance of this variant.

Illumina Laboratory Services, Illumina
Classification: Uncertain significance for Bloom syndrome. Last evaluated: 2017-04-27. Review status: criteria provided, single submitter. Criteria: ICSL Variant Classification Criteria 13 December 2019. Collection method: clinical testing. Allele origin: germline.

Natera, Inc.
Classification: Uncertain significance for Bloom syndrome. Last evaluated: 2018-05-24. Review status: no assertion criteria provided. Collection method: clinical testing. Allele origin: germline. Not counted in ClinVar's aggregate classification.

ITMI
No classification provided. Condition: AllHighlyPenetrant. Last evaluated: 2013-09-19. Review status: no classification provided. Collection method: reference population. Allele origin: germline. Not counted in ClinVar's aggregate classification.
Comment: Please see associated publication for description of ethnicities

Literature cited by the submitters: PubMed 24728327 (cited by Quest Diagnostics Nichols Institute San Juan Capistrano and ITMI).